The following is an entry in ClinVar:

NM_004655.4(AXIN2):c.2526C>T (p.Ile842=)

Gene: AXIN2 (axin 2; minus strand). Cytogenetic location: 17q24.1.
Variant type: single nucleotide variant.
Coding change: c.2526C>T on transcript NM_004655.4 (MANE Select); coding-DNA position 2526, C replaced by T.
Protein change: p.Ile842=; no amino-acid change (isoleucine 842 retained).
Molecular consequence: synonymous variant.
Genome position (GRCh38, 1-based): chr17:65,529,982, G>A on the plus strand (C>T on the coding strand, the complement: AXIN2 is on the minus strand). VCF-style: chr17-65529982-G-A. GRCh37 (hg19) VCF-style: chr17-63526100-G-A.
Other names: c.2526C>T (LRG_296t1); c.2331C>T, p.Ile777= (NM_001363813.1).
Identifiers: ClinVar variation 511158 (VCV000511158.11), dbSNP rs1468245462, ClinGen allele CA501475682.
Genomic context (GRCh38, chr17:65,529,982, plus strand): 5'-ACAGTTCACAAGAGCTTCGGGCTCCAACAGTTCACCAAAGCCAGACCCCAGGGCTCAATC[G>A]ATCCGCTCCACTTTGCCCAGAATCCGGCCTTCATACATCGGGAGCACCGTCTCATCCTCC-3'
Protein context (NP_004646.3, residues 832-843): EGRILGKVER[Ile842=]D

ClinVar aggregate classification (germline): Benign/Likely benign. Review status: criteria provided, multiple submitters, no conflicts (2 of 4 stars). 4 submissions from 4 submitters: Benign (1); Likely benign (3). Last evaluated 2025-10-02.

Conditions:
Oligodontia-cancer predisposition syndrome. Also called: TOOTH AGENESIS-COLORECTAL CANCER SYNDROME. Identifiers: Orphanet 300576, MedGen C1837750, MONDO:0012075, OMIM 608615. Disease mechanism: loss of function.
Hereditary cancer-predisposing syndrome. Also called: Hereditary neoplastic syndrome; Hereditary Cancer Syndrome; Neoplastic Syndromes, Hereditary; Tumor predisposition. Identifiers: Orphanet 140162, MedGen C0027672, MeSH D009386, MONDO:0015356.

Allele frequency attached by ClinVar (database versions not stated): gnomAD below 0.00001 and 0.00001; gnomAD exomes below 0.00001 and 0.00001; TOPMed 0.00001.
gnomAD v4.1: 9 of 1,614,002 alleles (0.00056%); highest among the groups gnomAD compares: South Asian, 0.0022%; no homozygotes.

Submissions (4):

Labcorp Genetics (formerly Invitae), Labcorp
Classification: Likely benign for Oligodontia-cancer predisposition syndrome. Last evaluated: 2025-10-02. Review status: criteria provided, single submitter. Criteria: Invitae Variant Classification Sherloc (09022015). Collection method: clinical testing. Allele origin: germline.

Myriad Genetics, Inc.
Classification: Benign for Oligodontia-cancer predisposition syndrome. Last evaluated: 2024-07-11. Review status: criteria provided, single submitter. Criteria: Myriad Autosomal Dominant, Autosomal Recessive and X-Linked Classification Criteria (2023). Collection method: clinical testing. Allele origin: unknown.
Comment: This variant is considered benign. This variant is a silent/synonymous amino acid change and it is not expected to impact splicing.

Ambry Genetics
Classification: Likely benign for Hereditary cancer-predisposing syndrome. Last evaluated: 2022-08-01. Review status: criteria provided, single submitter. Criteria: Ambry Variant Classification Scheme 2023. Collection method: clinical testing. Allele origin: germline.

GeneDx
Classification: Likely benign. Last evaluated: 2017-08-03. Review status: criteria provided, single submitter. Criteria: GeneDx Variant Classification (06012015). Collection method: clinical testing. Allele origin: germline. Affected: yes.
Comment: This variant is considered likely benign or benign based on one or more of the following criteria: it is a conservative change, it occurs at a poorly conserved position in the protein, it is predicted to be benign by multiple in silico algorithms, and/or has population frequency not consistent with disease.